The following is an entry in ClinVar:

ClinVar aggregate classification (germline): Likely benign. Review status: criteria provided, multiple submitters, no conflicts (2 of 4 stars). 2 submissions from 2 submitters: Likely benign (2). Last evaluated 2026-09-14.

Conditions:
MYH14-related disorder. Also called: MYH14-related condition.

Allele frequency attached by ClinVar (database versions not stated): TOPMed below 0.00001; gnomAD 0.00005; gnomAD exomes 0.00008 and 0.00018; 1000 Genomes Project 30x 0.00016; 1000 Genomes Project 0.00020; ExAC 0.00031.
gnomAD v4.1: 129 of 1,606,446 alleles (0.008%); highest among the groups gnomAD compares: South Asian, 0.13%; no homozygotes.

Submissions (2):

PreventionGenetics, part of Exact Sciences
Classification: Likely benign for MYH14-related condition. Last evaluated: 2026-09-14. Review status: criteria provided, single submitter. Criteria: ACMG Guidelines, 2015. Collection method: clinical testing. Allele origin: germline.
Comment: This variant is classified as likely benign based on ACMG/AMP sequence variant interpretation guidelines (Richards et al. 2015 PMID: 25741868, with internal and published modifications).

Labcorp Genetics (formerly Invitae), Labcorp
Classification: Likely benign. Last evaluated: 2022-02-12. Review status: criteria provided, single submitter. Criteria: Invitae Variant Classification Sherloc (09022015). Collection method: clinical testing. Allele origin: germline.

NM_001145809.2(MYH14):c.3149A>G (p.Asp1050Gly)

Gene: MYH14 (myosin heavy chain 14; plus strand). Cytogenetic location: 19q13.33.
Variant type: single nucleotide variant.
Coding change: c.3149A>G on transcript NM_001145809.2 (MANE Select); coding-DNA position 3149, A replaced by G.
Protein change: p.Asp1050Gly; replaces aspartic acid 1050 with glycine.
Molecular consequence: missense variant.
Genome position (GRCh38, 1-based): chr19:50,271,524, A>G. VCF-style: chr19-50271524-A-G. GRCh37 (hg19) VCF-style: chr19-50774781-A-G.
Other names: c.3050A>G, p.Asp1017Gly (NM_001077186.2); c.3026A>G, p.Asp1009Gly (NM_024729.4); c.3149A>G (NM_001145809.1); short protein forms D1009G, D1017G, D1050G.
Identifiers: ClinVar variation 1662888 (VCV001662888.9), dbSNP rs550238145, ClinGen allele CA9593117.